The following is an entry in ClinVar:

NM_000214.3(JAG1):c.560G>T (p.Cys187Phe)

Gene: JAG1 (jagged canonical Notch ligand 1; minus strand). Cytogenetic location: 20p12.2.
Variant type: single nucleotide variant.
Coding change: c.560G>T on transcript NM_000214.3 (MANE Select); coding-DNA position 560, G replaced by T.
Protein change: p.Cys187Phe; replaces cysteine 187 with phenylalanine.
Molecular consequence: missense variant.
Genome position (GRCh38, 1-based): chr20:10,658,602, C>A on the plus strand (G>T on the coding strand, the complement: JAG1 is on the minus strand). VCF-style: chr20-10658602-C-A. GRCh37 (hg19) VCF-style: chr20-10639250-C-A.
Other names: short protein forms C187F.
Identifiers: ClinVar variation 3573332 (VCV003573332.3).

ClinVar aggregate classification (germline): Uncertain significance (1 of 4 stars; one submission).

Conditions:
Alagille syndrome due to a JAG1 point mutation. Also called: Alagille Syndrome 1; JAG1-Related Alagille Syndrome; HEPATIC DUCTULAR HYPOPLASIA, SYNDROMATIC. Identifiers: Orphanet 261619, Orphanet 52, MedGen C1956125, MONDO:0016862, OMIM 118450.

Submissions (2):

3billion
Classification: Uncertain significance for Alagille syndrome due to a JAG1 point mutation. Last evaluated: 2025-09-16. Review status: criteria provided, single submitter. Criteria: ACMG Guidelines, 2015. Collection method: clinical testing. Allele origin: germline. Affected: yes.
Comment: The variant is not observed in the gnomAD v4.1.0 dataset. Predicted Consequence/Location: Missense variant In silico tool predictions suggest damaging effect of the variant on gene or gene product [REVEL: 0.98 (>=0.6, sensitivity 0.68 and specificity 0.92); 3Cnet: 0.93 (> 0.75, sensitivity 0.96 and precision 0.92)]. Different missense changes at the same codon (p.Cys187Ser, p.Cys187Tyr) have been reported to be associated with JAG1-related disorder (PMID: 10220506, 15712272). Therefore, this variant is classified as VUS according to the recommendation of ACMG/AMP guideline.

Gilbert/Spinner Lab, Children's Hospital of Philadelphia
No classification provided (evidence only). Condition: Alagille syndrome. Review status: no classification provided. Collection method: research. Allele origin: not applicable. Functional consequence: functionally_abnormal. Not counted in ClinVar's aggregate classification.
ClinVar note: "not provided" was previously submitted as the classification for the variant. However, the classification appeared to be based only on an observation of functional data so it was converted to no classification on 2025-07-30.

Literature cited by the submitters: PubMed 10220506 (cited by 3billion).